The following is an entry in ClinVar:

ClinVar aggregate classification (germline): Uncertain significance (0 of 4 stars; one submission).

Submission:

Diagnostics Centre, Carl Von Ossietzky University Oldenburg
Classification: Uncertain significance. Last evaluated: 2025-02-27. Review status: no assertion criteria provided. Collection method: clinical testing. Allele origin: germline. Affected: yes. Observed: 2 variant alleles.
Comment: The identified alteration is an approximately 934 kb heterozygous deletion within chromosomal region 2q31.1. It encompasses 12 protein-coding genes. ClinVar database contains multiple entries for individuals with smaller deletions in 2q31.1 that have been classified as pathogenic (ClinVar ID: 431745, 1458428). The present deletion lies within the broader 2q31.1 region that has been described in the literature and public databases in association with 2q31.1 microdeletion syndrome. Classic cases of this syndrome typically involve multiple HOXD genes, considered the critical region for 2q31.1 microdeletion syndrome. The deletion described here is smaller than those previously reported and does not include the HOXD gene cluster. Individuals with 2q31.1 microdeletion syndrome generally present with a pronounced clinical phenotype. This syndrome is characterized by variable degrees of developmental delay, short stature, facial dysmorphism, and limb anomalies. Typical dysmorphic features include microcephaly, downslanting palpebral fissures, a long and flat philtrum, micrognathia, and low-set, dysplastic ears. Limb anomalies may include ectrodactyly, brachydactyly, syndactyly, and camptodactyly. Several of the genes within the deletion are associated with autosomal recessive disorders. In summary, this variant is classified as a variant of uncertain significance (VUS).

GRCh38/hg38 2q31.1(chr2:169214562-170149040)x1

Genes: BBS5 (Bardet-Biedl syndrome 5; plus strand), CFAP210 (cilia and flagella associated protein 210; minus strand), FASTKD1 (FASTK mitochondrial RNA regulator 1; minus strand), KLHL23 (kelch like family member 23; plus strand), KLHL41 (kelch like family member 41; plus strand) and 25 more. Cytogenetic location: 2q31.1.
Variant type: copy number loss.
Change: copy number 1 (one copy instead of two) of chr2:169,214,562-170,149,040 (934.5 kb, GRCh38 coordinates, 1-based), cytogenetic band 2q31.1.
Identifiers: ClinVar variation 4886786 (VCV004886786.1).